The following is an entry in ClinVar:

NM_000303.3(PMM2):c.467_468delinsT (p.Lys156fs)

Gene: PMM2 (phosphomannomutase 2; plus strand). Cytogenetic location: 16p13.2.
Variant type: Indel.
Coding change: c.467_468delinsT on transcript NM_000303.3 (MANE Select); coding-DNA positions 467 to 468, AG replaced by T.
Protein change: p.Lys156fs; shifts the reading frame from lysine 156.
Molecular consequence: frameshift variant.
Genome position (GRCh38, 1-based): chr16:8,811,657-8,811,658, AG replaced by T. VCF-style: chr16-8811657-AG-T. GRCh37 (hg19) VCF-style: chr16-8905514-AG-T.
Other names: short protein forms K156fs.
Identifiers: ClinVar variation 2070897 (VCV002070897.4), dbSNP rs2549147296, ClinGen allele CA2580092080.

ClinVar aggregate classification (germline): Pathogenic (1 of 4 stars; one submission).

Conditions:
PMM2-congenital disorder of glycosylation. Also called: CARBOHYDRATE-DEFICIENT GLYCOPROTEIN SYNDROME, TYPE Ia; CDG Ia; JAEKEN SYNDROME; PHOSPHOMANNOMUTASE 2 DEFICIENCY; PMM2-CDG; Congenital disorder of glycosylation, type Ia. Identifiers: Orphanet 79318, MedGen C0349653, MONDO:0008907, OMIM 212065.

Submission:

Labcorp Genetics (formerly Invitae), Labcorp
Classification: Pathogenic for PMM2-congenital disorder of glycosylation. Last evaluated: 2022-01-02. Review status: criteria provided, single submitter. Criteria: Invitae Variant Classification Sherloc (09022015). Collection method: clinical testing. Allele origin: germline.
Comment: This sequence change creates a premature translational stop signal (p.Lys156Ilefs*3) in the PMM2 gene. It is expected to result in an absent or disrupted protein product. Loss-of-function variants in PMM2 are known to be pathogenic (PMID: 19862844). This variant is not present in population databases (gnomAD no frequency). This variant has not been reported in the literature in individuals affected with PMM2-related conditions. For these reasons, this variant has been classified as Pathogenic.

Literature cited by the submitters: PubMed 19862844.